The following is an entry in ClinVar:

ClinVar aggregate classification (germline): Uncertain significance (1 of 4 stars; one submission).

Conditions:
Autism (AUTS). Also called: Autistic disorder of childhood onset; Autistic disorder. Identifiers: MedGen C0004352, MeSH D001321, MONDO:0005260, OMIM 209850, HP:0000717.

Submission:

Medical Genetics Clinic, University of Catania
Classification: Uncertain significance for Autism. Last evaluated: 2025-07-28. Review status: criteria provided, single submitter. Criteria: ACMG Guidelines, 2015. Collection method: clinical testing. Allele origin: de novo. Affected: yes. Observed: 1 heterozygote.
Comment: The c.106G>T (p.Glu36Ter) variant in the CCNC gene is located in the exon 2 of the CCNC gene. This alteration results in a premature STOP codon in the corresponding transcript at position 36 (nonsense variant). In silico prediction tool suggests a detrimental effect on the structure/activity of the protein (MutationTaster: disease causing). Based on insufficient evidence and unclear clinical impact, the c.106G>T (p.Glu36Ter) variant in the CCNC gene has been classified as a Variant of Uncertain Significance

NM_005190.4(CCNC):c.106G>T (p.Glu36Ter)

Genes: CCNC (cyclin C; minus strand), TSTD3 (thiosulfate sulfurtransferase like domain containing 3; plus strand). Cytogenetic location: 6q16.2.
Variant type: single nucleotide variant.
Coding change: c.106G>T on transcript NM_005190.4 (MANE Select); coding-DNA position 106, G replaced by T.
Protein change: p.Glu36Ter; replaces glutamic acid 36 with a stop codon.
Molecular consequence: nonsense. On other transcripts: 5 prime UTR variant (1).
Genome position (GRCh38, 1-based): chr6:99,562,875, C>A on the plus strand (G>T on the coding strand, the complement: CCNC is on the minus strand). VCF-style: chr6-99562875-C-A. GRCh37 (hg19) VCF-style: chr6-100010751-C-A.
Other names: p.Glu36Ter; c.-150G>T (NM_001013399.2); c.106G>T, p.Glu36Ter (NM_001363537.2); short protein forms E36*.
Identifiers: ClinVar variation 4076510 (VCV004076510.1).